The following is an entry in ClinVar:

ClinVar aggregate classification (germline): Conflicting classifications of pathogenicity. Review status: criteria provided, conflicting classifications (1 of 4 stars). 2 submissions from 2 submitters: Uncertain significance (1); Likely benign (1). Last evaluated 2025-02-09.

Conditions:
Inborn genetic diseases. Identifiers: MedGen C0950123, MeSH D030342.

Allele frequency attached by ClinVar (database versions not stated): ExAC 0.00002; gnomAD exomes 0.00002; gnomAD 0.00007 and 0.00008; TOPMed 0.00007.
gnomAD v4.1: 51 of 1,612,758 alleles (0.0032%); highest among the groups gnomAD compares: African/African-American, 0.02%; no homozygotes.

Submissions (2):

Labcorp Genetics (formerly Invitae), Labcorp
Classification: Uncertain significance. Last evaluated: 2025-02-09. Review status: criteria provided, single submitter. Criteria: Invitae Variant Classification Sherloc (09022015). Collection method: clinical testing. Allele origin: germline.
Comment: This sequence change replaces serine, which is neutral and polar, with leucine, which is neutral and non-polar, at codon 383 of the PCLO protein (p.Ser383Leu). This variant is present in population databases (rs767073368, gnomAD 0.03%). This variant has not been reported in the literature in individuals affected with PCLO-related conditions. ClinVar contains an entry for this variant (Variation ID: 1443229). An algorithm developed to predict the effect of missense changes on protein structure and function outputs the following: PolyPhen-2: "Not Available". The leucine amino acid residue is found in multiple mammalian species, which suggests that this missense change does not adversely affect protein function. In summary, the available evidence is currently insufficient to determine the role of this variant in disease. Therefore, it has been classified as a Variant of Uncertain Significance.

Ambry Genetics
Classification: Likely benign for Inborn genetic diseases. Last evaluated: 2022-06-24. Review status: criteria provided, single submitter. Criteria: Ambry Variant Classification Scheme 2023. Collection method: clinical testing. Allele origin: germline.

NM_033026.6(PCLO):c.1148C>T (p.Ser383Leu)

Gene: PCLO (piccolo presynaptic cytomatrix protein; minus strand). Cytogenetic location: 7q21.11.
Variant type: single nucleotide variant.
Coding change: c.1148C>T on transcript NM_033026.6 (MANE Select); coding-DNA position 1148, C replaced by T.
Protein change: p.Ser383Leu; replaces serine 383 with leucine.
Molecular consequence: missense variant.
Genome position (GRCh38, 1-based): chr7:83,155,493, G>A on the plus strand (C>T on the coding strand, the complement: PCLO is on the minus strand). VCF-style: chr7-83155493-G-A. GRCh37 (hg19) VCF-style: chr7-82784809-G-A.
Other names: c.1148C>T (NM_033026.5); c.1148C>T, p.Ser383Leu (NM_014510.3); short protein forms S383L.
Identifiers: ClinVar variation 1443229 (VCV001443229.5), dbSNP rs767073368, ClinGen allele CA4321513.
Genomic context (GRCh38, chr7:83,155,493, plus strand): 5'-TGAGCTGGAGTCTTTCCAACTCCAGGAGGCTGAGCTAAAGCCTTTGGCCCAGGCTGCTCC[G>A]ATGAAGGCTTCTCTGACCCAGTCTGCTGAGCTGGAGGCTTAGCAGGACCAAGAGGCTGAG-3'
Protein context (NP_149015.2, residues 373-393): AQQTGSEKPS[Ser383Leu]EQPGPKALAQ